The following is an entry in ClinVar:

NM_022098.4(XPNPEP3):c.645del (p.Ser216fs)

Gene: XPNPEP3 (X-prolyl aminopeptidase 3; plus strand). Cytogenetic location: 22q13.2.
Variant type: Deletion.
Coding change: c.645del on transcript NM_022098.4 (MANE Select); coding-DNA position 645, one base deleted (C; older notation c.645delC).
Protein change: p.Ser216fs; shifts the reading frame from serine 216.
Molecular consequence: frameshift variant.
Genome position (GRCh38, 1-based): chr22:40,886,368, C deleted. VCF-style (leftmost placement, unchanged base first): chr22-40886367-AC-A. GRCh37 (hg19) VCF-style: chr22-41282371-AC-A.
Other names: c.645delC (NM_022098.3); short protein forms S216fs.
Identifiers: ClinVar variation 1012366 (VCV001012366.5), dbSNP rs751910922, ClinGen allele CA10251688.

ClinVar aggregate classification (germline): Pathogenic/Likely pathogenic. Review status: criteria provided, multiple submitters, no conflicts (2 of 4 stars). 3 submissions from 3 submitters: Pathogenic (1); Likely pathogenic (1). 1 of the submissions does not count toward it. Last evaluated 2024-04-20.

Conditions:
Nephronophthisis-like nephropathy 1 (NPHPL1). Identifiers: Orphanet 655, MedGen C3150419, MONDO:0013163, OMIM 613159.

Allele frequency attached by ClinVar (database versions not stated): gnomAD exomes below 0.00001 and 0.00001; ExAC 0.00001; gnomAD 0.00001; TOPMed 0.00002.

Submissions (3):

Fulgent Genetics
Classification: Likely pathogenic for Nephronophthisis-like nephropathy 1. Last evaluated: 2024-04-20. Review status: criteria provided, single submitter. Criteria: ACMG Guidelines, 2015. Collection method: clinical testing. Allele origin: germline.

Clinical Genetics Service, Universitary Hospital 12 de Octubre
Classification: Pathogenic for Nephronophthisis-like nephropathy 1. Review status: criteria provided, single submitter. Criteria: ACMG Guidelines, 2015. Collection method: clinical testing. Allele origin: germline. Affected: yes.

Molecular Biology Laboratory, Fundació Puigvert
Classification: Pathogenic for Nephronophthisis-like nephropathy 1. Last evaluated: 2021-02-10. Review status: no assertion criteria provided. Collection method: clinical testing. Allele origin: unknown. Inheritance: Autosomal recessive inheritance. Affected: yes. Observed: 1 variant allele, 1 compound heterozygote. Not counted in ClinVar's aggregate classification.
Comment: The XPNPEP3 c.645del p. (Ser216Leufs * 7) variant is a frameshift (LoF ) variant resulting in the creation of a premature protein translation termination codon, so it will theoretically generate a protein of only 221 amino acids instead of the 507 which has the protein Xaa-Pro aminopeptidase 3 (protein encoded by the XPNPEP3 gene). This variant has not been previously described in the scientific literature nor does it appear in The Human Gene Mutation Database. It has only been described in two heterozygous individuals in the gnomAD. Following ACMG classification criteria, it is classified as pathogenic.